The following is an entry in ClinVar:

ClinVar aggregate classification (germline): Pathogenic (1 of 4 stars; one submission).

Conditions:
Familial cancer of breast. Also called: hereditary breast carcinoma; BREAST CANCER, FAMILIAL; Hereditary breast cancer. Identifiers: Orphanet 227535, MedGen C0346153, MONDO:0016419, OMIM 114480. Disease mechanism: loss of function.

Allele frequency attached by ClinVar (database versions not stated): gnomAD exomes below 0.00001.

Submission:

Myriad Genetics, Inc.
Classification: Pathogenic for Familial cancer of breast. Last evaluated: 2024-02-06. Review status: criteria provided, single submitter. Criteria: Myriad Autosomal Dominant, Autosomal Recessive and X-Linked Classification Criteria (2023). Collection method: clinical testing. Allele origin: unknown.
Comment: This variant is considered pathogenic. This variant creates a frameshift predicted to result in premature protein truncation.

NM_000051.4(ATM):c.9051del (p.Gly3019fs)

Genes: ATM (ATM serine/threonine kinase; plus strand), C11orf65 (chromosome 11 open reading frame 65; minus strand). Cytogenetic location: 11q22.3.
Variant type: Deletion.
Coding change: c.9051del on transcript NM_000051.4 (MANE Select); coding-DNA position 9051, one base deleted (G; older notation c.9051delG).
Protein change: p.Gly3019fs; shifts the reading frame from glycine 3019.
Molecular consequence: frameshift variant. On other transcripts: intron variant (2).
Genome position (GRCh38, 1-based): chr11:108,365,388, G deleted. VCF-style (leftmost placement, unchanged base first): chr11-108365387-TG-T. GRCh37 (hg19) VCF-style: chr11-108236114-TG-T.
Other names: c.9051del, p.Gly3019fs (NM_001351834.2); c.640+20532del (NM_001330368.2); c.694+20532del (NM_001351110.2); short protein forms G3019fs.
Identifiers: ClinVar variation 3148370 (VCV003148370.1), dbSNP rs2547684126, ClinGen allele CA2615864382.